The following is an entry in ClinVar:

ClinVar aggregate classification (germline): Conflicting classifications of pathogenicity. Review status: criteria provided, conflicting classifications (1 of 4 stars). 4 submissions from 4 submitters: Uncertain significance (2); Likely benign (2). Last evaluated 2026-01-26.

Conditions:
Hereditary cancer-predisposing syndrome. Also called: Tumor predisposition; Hereditary Cancer Syndrome; Neoplastic Syndromes, Hereditary; Hereditary neoplastic syndrome. Identifiers: Orphanet 140162, MedGen C0027672, MeSH D009386, MONDO:0015356.
Gorlin syndrome. Also called: Basal cell nevus syndrome; Nevoid Basal Cell Carcinoma Syndrome. Identifiers: Orphanet 377, MedGen C0004779, MONDO:0007187.
Germinoma. Also called: Germinoma (disease). Identifiers: MedGen C0206660, MONDO:0002598, HP:0100620.

Allele frequency attached by ClinVar (database versions not stated): TOPMed 0.00002; 1000 Genomes Project 30x 0.00016; 1000 Genomes Project 0.00020.
gnomAD v4.1: 16 of 1,614,108 alleles (0.00099%); highest among the groups gnomAD compares: Admixed American, 0.005%; no homozygotes.

Submissions (4):

Labcorp Genetics (formerly Invitae), Labcorp
Classification: Likely benign for Gorlin syndrome. Last evaluated: 2026-01-26. Review status: criteria provided, single submitter. Criteria: Invitae Variant Classification Sherloc (09022015). Collection method: clinical testing. Allele origin: germline.

GeneDx
Classification: Uncertain significance. Last evaluated: 2024-01-21. Review status: criteria provided, single submitter. Criteria: GeneDx Variant Classification Process June 2021. Collection method: clinical testing. Allele origin: germline. Affected: yes.
Comment: Not observed at significant frequency in large population cohorts (gnomAD); In silico analysis supports that this missense variant does not alter protein structure/function; Has not been previously published as pathogenic or benign to our knowledge; This variant is associated with the following publications: (PMID: 8906794)

Ambry Genetics
Classification: Likely benign for Hereditary cancer-predisposing syndrome. Last evaluated: 2022-02-25. Review status: criteria provided, single submitter. Criteria: Ambry Variant Classification Scheme 2023. Collection method: clinical testing. Allele origin: germline.

St. Jude Molecular Pathology, St. Jude Children's Research Hospital
Classification: Uncertain significance for Germinoma. Last evaluated: 2016-07-21. Review status: criteria provided, single submitter. Criteria: ACMG Guidelines, 2015. Collection method: clinical testing. Allele origin: germline. Affected: yes.

NM_000264.5(PTCH1):c.1234G>A (p.Ala412Thr)

Gene: PTCH1 (patched 1; minus strand). Cytogenetic location: 9q22.32.
Variant type: single nucleotide variant.
Coding change: c.1234G>A on transcript NM_000264.5 (MANE Select); coding-DNA position 1234, G replaced by A.
Protein change: p.Ala412Thr; replaces alanine 412 with threonine.
Molecular consequence: missense variant. On other transcripts: non-coding transcript variant (1).
Genome position (GRCh38, 1-based): chr9:95,478,168, C>T on the plus strand (G>A on the coding strand, the complement: PTCH1 is on the minus strand). VCF-style: chr9-95478168-C-T. GRCh37 (hg19) VCF-style: chr9-98240450-C-T.
Other names: c.1036G>A, p.Ala346Thr (NM_001083602.3); c.1231G>A, p.Ala411Thr (NM_001083603.3); c.781G>A, p.Ala261Thr (NM_001083604.3, NM_001083605.3, NM_001083606.3 and 1 more transcripts); c.1234G>A, p.Ala412Thr (NM_001354918.2); short protein forms A346T, A412T, A411T, A261T.
Identifiers: ClinVar variation 453775 (VCV000453775.15), dbSNP rs370354759, ClinGen allele CA5138714.